The following is an entry in ClinVar:

NM_001267550.2(TTN):c.87734G>A (p.Trp29245Ter)

Genes: TTN (titin; minus strand), TTN-AS1 (TTN antisense RNA 1; plus strand). Cytogenetic location: 2q31.2.
Variant type: single nucleotide variant.
Coding change: c.87734G>A on transcript NM_001267550.2 (MANE Select); coding-DNA position 87734, G replaced by A.
Protein change: p.Trp29245Ter; replaces tryptophan 29245 with a stop codon.
Molecular consequence: nonsense.
Genome position (GRCh38, 1-based): chr2:178,557,528, C>T on the plus strand (G>A on the coding strand, the complement: TTN is on the minus strand). VCF-style: chr2-178557528-C-T. GRCh37 (hg19) VCF-style: chr2-179422255-C-T.
Other names: c.82811G>A, p.Trp27604Ter (NM_001256850.1); c.60539G>A, p.Trp20180Ter (NM_003319.4); c.80030G>A, p.Trp26677Ter (NM_133378.4); c.60914G>A, p.Trp20305Ter (NM_133432.3); c.61115G>A, p.Trp20372Ter (NM_133437.4); short protein forms W20372*, W26677*, W27604*, W20180*, W20305*, W29245*.
Identifiers: ClinVar variation 950087 (VCV000950087.13), dbSNP rs1701973330, ClinGen allele CA349534526.

ClinVar aggregate classification (germline): Pathogenic/Likely pathogenic. Review status: criteria provided, multiple submitters, no conflicts (2 of 4 stars). 3 submissions from 3 submitters: Pathogenic (1); Likely pathogenic (2). Last evaluated 2025-11-23.

Conditions:
Cardiovascular phenotype. Identifiers: MedGen CN230736.
TTN-related disorder. Also called: TTN-related condition; TTN-related disease; TTN-related disorders.
Dilated cardiomyopathy 1G (CMD1G). Identifiers: Orphanet 154, MedGen C1858763, MONDO:0011400, OMIM 604145.
Autosomal recessive limb-girdle muscular dystrophy type 2J (LGMDR10). Also called: MUSCULAR DYSTROPHY, LIMB-GIRDLE, AUTOSOMAL RECESSIVE 10; Limb-girdle muscular dystrophy, type 2J. Identifiers: Orphanet 140922, MedGen C1837342, MONDO:0012127, OMIM 608807.

Submissions (3):

Labcorp Genetics (formerly Invitae), Labcorp
Classification: Likely pathogenic for Dilated cardiomyopathy 1G; Autosomal recessive limb-girdle muscular dystrophy type 2J. Last evaluated: 2025-11-23. Review status: criteria provided, single submitter. Criteria: Invitae Variant Classification Sherloc (09022015). Collection method: clinical testing. Allele origin: germline.
Comment: This sequence change creates a premature translational stop signal (p.Trp29245*) in the TTN gene. While this is not anticipated to result in nonsense mediated decay, it is expected to create a truncated TTN protein. This variant is not present in population databases (gnomAD no frequency). This variant has not been reported in the literature in individuals affected with TTN-related conditions. ClinVar contains an entry for this variant (Variation ID: 950087). This variant is located in the A band of TTN (PMID: 25589632). Truncating variants in this region are significantly overrepresented in patients affected with dilated cardiomyopathy (PMID: 25589632). Truncating variants in this region have also been reported in individuals affected with autosomal recessive centronuclear myopathy (PMID: 23975875). In summary, the currently available evidence indicates that the variant is pathogenic, but additional data are needed to prove that conclusively. Therefore, this variant has been classified as Likely Pathogenic.

Ambry Genetics
Classification: Likely pathogenic for Cardiovascular phenotype. Last evaluated: 2023-05-22. Review status: criteria provided, single submitter. Criteria: Ambry Variant Classification Scheme 2023. Collection method: clinical testing. Allele origin: germline.
Comment: The p.W20180* variant (also known as c.60539G>A), located in coding exon 156 of the TTN gene, results from a G to A substitution at nucleotide position 60539. This changes the amino acid from a tryptophan to a stop codon within coding exon 156. This exon is located in the A-band region of the N2-B isoform of the titin protein and is constitutively expressed in TTN transcripts (percent spliced in or PSI 100%). This variant is considered to be rare based on population cohorts in the Genome Aggregation Database (gnomAD). This alteration is expected to result in loss of function by premature protein truncation or nonsense-mediated mRNA decay. While truncating variants in TTN are present in 1-3% of the general population, truncating variants in the A-band are the most common cause of dilated cardiomyopathy (DCM) (Herman DS et al. N. Engl. J. Med., 2012 Feb;366:619-28; Roberts AM et al. Sci Transl Med, 2015 Jan;7:270ra6). TTN truncating variants encoded in constitutive exons (PSI >90%) have been found to be significantly associated with DCM regardless of their position in titin (Schafer S et al. Nat. Genet., 2017 01;49:46-53). Based on the majority of available evidence to date, this variant is likely to be pathogenic.

Blueprint Genetics
Classification: Pathogenic for TTN-related disorders. Last evaluated: 2021-09-28. Review status: criteria provided, single submitter. Criteria: ACMG Guidelines, 2015. Collection method: clinical testing. Allele origin: germline. Affected: yes. Observed: 2 variant alleles.

Literature cited by the submitters: PubMed 25589632 (cited by Labcorp Genetics (formerly Invitae), Labcorp); PubMed 23975875 (cited by Labcorp Genetics (formerly Invitae), Labcorp).